The following is an entry in ClinVar:

ClinVar aggregate classification (germline): Uncertain significance (1 of 4 stars; one submission).

gnomAD v4.1: 1 of 1,614,124 alleles (0.000062%); highest among the groups gnomAD compares: Admixed American, 0.0017%; no homozygotes.

Submission:

Labcorp Genetics (formerly Invitae), Labcorp
Classification: Uncertain significance. Last evaluated: 2024-06-23. Review status: criteria provided, single submitter. Criteria: Invitae Variant Classification Sherloc (09022015). Collection method: clinical testing. Allele origin: germline.
Comment: This sequence change replaces aspartic acid, which is acidic and polar, with tyrosine, which is neutral and polar, at codon 245 of the MSH3 protein (p.Asp245Tyr). This variant is present in population databases (no rsID available, gnomAD 0.003%). This variant has not been reported in the literature in individuals affected with MSH3-related conditions. An algorithm developed to predict the effect of missense changes on protein structure and function (PolyPhen-2) suggests that this variant is likely to be disruptive. In summary, the available evidence is currently insufficient to determine the role of this variant in disease. Therefore, it has been classified as a Variant of Uncertain Significance.

NM_002439.5(MSH3):c.733G>T (p.Asp245Tyr)

Gene: MSH3 (mutS homolog 3; plus strand). Cytogenetic location: 5q14.1.
Variant type: single nucleotide variant.
Coding change: c.733G>T on transcript NM_002439.5 (MANE Select); coding-DNA position 733, G replaced by T.
Protein change: p.Asp245Tyr; replaces aspartic acid 245 with tyrosine.
Molecular consequence: missense variant.
Genome position (GRCh38, 1-based): chr5:80,670,250, G>T. VCF-style: chr5-80670250-G-T. GRCh37 (hg19) VCF-style: chr5-79966069-G-T.
Other names: short protein forms D245Y.
Identifiers: ClinVar variation 3668228 (VCV003668228.2).